The following is an entry in ClinVar:

NM_194248.3(OTOF):c.2407-18_2407-17delinsGG

Gene: OTOF (otoferlin; minus strand). Cytogenetic location: 2p23.3.
Variant type: Indel.
Coding change: c.2407-18_2407-17delinsGG on transcript NM_194248.3 (MANE Select); 18 bases into the intron before coding-DNA position 2407 through 17 bases into the intron before coding-DNA position 2407, AC replaced by GG.
Molecular consequence: intron variant.
Genome position (GRCh38, 1-based): chr2:26,477,305-26,477,306, GT replaced by CC on the plus strand (AC replaced by GG on the coding strand, the reverse complement: OTOF is on the minus strand). VCF-style: chr2-26477305-GT-CC. GRCh37 (hg19) VCF-style: chr2-26700173-GT-CC.
Other names: c.2407-18_2407-17delinsGG (NM_001287489.2); c.166-18_166-17delinsGG (NM_194323.3, NM_004802.4); c.337-18_337-17delinsGG (NM_194322.3).
Identifiers: ClinVar variation 2033185 (VCV002033185.1), dbSNP rs2465594147, ClinGen allele CA2580066195.

ClinVar aggregate classification (germline): Uncertain significance (1 of 4 stars; one submission).

Submission:

Labcorp Genetics (formerly Invitae), Labcorp
Classification: Uncertain significance. Last evaluated: 2022-10-05. Review status: criteria provided, single submitter. Criteria: Invitae Variant Classification Sherloc (09022015). Collection method: clinical testing. Allele origin: germline.
Comment: This sequence change falls in intron 20 of the OTOF gene. It does not directly change the encoded amino acid sequence of the OTOF protein. Information on the frequency of this variant in the gnomAD database is not available, as this variant may be reported differently in the database. This variant has not been reported in the literature in individuals affected with OTOF-related conditions. Experimental studies and prediction algorithms are not available or were not evaluated, and the effect of this variant on mRNA splicing is currently unknown. In summary, the available evidence is currently insufficient to determine the role of this variant in disease. Therefore, it has been classified as a Variant of Uncertain Significance.